The following is an entry in ClinVar:

ClinVar aggregate classification (germline): Uncertain significance (1 of 4 stars; one submission).

Conditions:
Charcot-Marie-Tooth disease type 2. Also called: Charcot-Marie-Tooth type 2. Identifiers: Orphanet 64746, MedGen C0270914, MONDO:0018993.

Submission:

Labcorp Genetics (formerly Invitae), Labcorp
Classification: Uncertain significance for Charcot-Marie-Tooth disease type 2. Last evaluated: 2022-05-13. Review status: criteria provided, single submitter. Criteria: Invitae Variant Classification Sherloc (09022015). Collection method: clinical testing. Allele origin: germline.
Comment: In summary, the available evidence is currently insufficient to determine the role of this variant in disease. Therefore, it has been classified as a Variant of Uncertain Significance. Algorithms developed to predict the effect of sequence changes on RNA splicing suggest that this variant may disrupt the consensus splice site. This variant has not been reported in the literature in individuals affected with GARS-related conditions. This variant is not present in population databases (gnomAD no frequency). This sequence change falls in intron 12 of the GARS gene. It does not directly change the encoded amino acid sequence of the GARS protein.

NM_002047.4(GARS1):c.1614-13T>A

Gene: GARS1 (glycyl-tRNA synthetase 1; plus strand). Cytogenetic location: 7p14.3.
Variant type: single nucleotide variant.
Coding change: c.1614-13T>A on transcript NM_002047.4 (MANE Select); 13 bases into the intron before coding-DNA position 1614, T replaced by A.
Molecular consequence: intron variant.
Genome position (GRCh38, 1-based): chr7:30,626,221, T>A. VCF-style: chr7-30626221-T-A. GRCh37 (hg19) VCF-style: chr7-30665837-T-A.
Other names: c.1452-13T>A (NM_001316772.1).
Identifiers: ClinVar variation 2135803 (VCV002135803.4), dbSNP rs2534327481, ClinGen allele CA2580077111.